The following is an entry in ClinVar:

NM_001312909.2(FAM111A):c.1705C>T (p.Arg569Cys)

Gene: FAM111A (FAM111 trypsin like peptidase A; plus strand). Cytogenetic location: 11q12.1.
Variant type: single nucleotide variant.
Coding change: c.1705C>T on transcript NM_001312909.2 (MANE Select); coding-DNA position 1705, C replaced by T.
Protein change: p.Arg569Cys; replaces arginine 569 with cysteine.
Molecular consequence: missense variant.
Genome position (GRCh38, 1-based): chr11:59,153,373, C>T. VCF-style: chr11-59153373-C-T. GRCh37 (hg19) VCF-style: chr11-58920846-C-T.
Other names: c.1705C>T, p.Arg569Cys (NM_001142519.3, NM_001142520.3, NM_001142521.3 and 29 more transcripts); short protein forms R569C.
Identifiers: ClinVar variation 3657158 (VCV003657158.2).

ClinVar aggregate classification (germline): Uncertain significance (1 of 4 stars; one submission).

Submission:

Labcorp Genetics (formerly Invitae), Labcorp
Classification: Uncertain significance. Last evaluated: 2025-10-23. Review status: criteria provided, single submitter. Criteria: Invitae Variant Classification Sherloc (09022015). Collection method: clinical testing. Allele origin: germline.
Comment: This sequence change replaces arginine, which is basic and polar, with cysteine, which is neutral and slightly polar, at codon 569 of the FAM111A protein (p.Arg569Cys). This variant is present in population databases (rs184251651, gnomAD 0.009%). This variant has not been reported in the literature in individuals affected with FAM111A-related conditions. ClinVar contains an entry for this variant (Variation ID: 3657158). Invitae Evidence Modeling of protein sequence and biophysical properties (such as structural, functional, and spatial information, amino acid conservation, physicochemical variation, residue mobility, and thermodynamic stability) indicates that this missense variant is not expected to disrupt FAM111A protein function with a negative predictive value of 80%. This variant disrupts the p.Arg569 amino acid residue in FAM111A. Other variant(s) that disrupt this residue have been determined to be pathogenic (PMID: 23684011, 23996431, 24635597, 24970356). This suggests that this residue is clinically significant, and that variants that disrupt this residue are likely to be disease-causing. In summary, the available evidence is currently insufficient to determine the role of this variant in disease. Therefore, it has been classified as a Variant of Uncertain Significance.

Literature cited by the submitters: PubMed 23684011; PubMed 23996431; PubMed 24635597; PubMed 24970356.